The following is an entry in ClinVar:

ClinVar aggregate classification (germline): Uncertain significance. Review status: criteria provided, multiple submitters, no conflicts (2 of 4 stars). 3 submissions from 3 submitters: Uncertain significance (3). Last evaluated 2025-09-29.

Conditions:
Inborn genetic diseases. Identifiers: MedGen C0950123, MeSH D030342.
Collagen 6-related myopathy. Identifiers: MedGen CN117976, MONDO:0100225.
Bethlem myopathy 1A. Also called: MYOPATHY, BENIGN CONGENITAL, WITH CONTRACTURES; Bethlem myopathy 1; Bethlem Muscular Dystrophy. Identifiers: Orphanet 610, MedGen CN029274, MONDO:0024530, OMIM 158810.

Allele frequency attached by ClinVar (database versions not stated): ExAC 0.00002; gnomAD 0.00002; gnomAD exomes 0.00002; TOPMed 0.00002.
gnomAD v4.1: 26 of 1,612,532 alleles (0.0016%); highest among the groups gnomAD compares: East Asian, 0.027%; no homozygotes.

Submissions (3):

Labcorp Genetics (formerly Invitae), Labcorp
Classification: Uncertain significance for Bethlem myopathy 1A. Last evaluated: 2025-09-29. Review status: criteria provided, single submitter. Criteria: Invitae Variant Classification Sherloc (09022015). Collection method: clinical testing. Allele origin: germline.
Comment: This sequence change replaces glutamic acid, which is acidic and polar, with lysine, which is basic and polar, at codon 578 of the COL6A2 protein (p.Glu578Lys). This variant is present in population databases (rs771658013, gnomAD 0.04%). This variant has not been reported in the literature in individuals affected with COL6A2-related conditions. ClinVar contains an entry for this variant (Variation ID: 895000). An algorithm developed to predict the effect of missense changes on protein structure and function outputs the following: PolyPhen-2: "Benign". The lysine amino acid residue is found in multiple mammalian species, which suggests that this missense change does not adversely affect protein function. In summary, the available evidence is currently insufficient to determine the role of this variant in disease. Therefore, it has been classified as a Variant of Uncertain Significance.

Ambry Genetics
Classification: Uncertain significance for Inborn genetic diseases. Last evaluated: 2022-01-19. Review status: criteria provided, single submitter. Criteria: Ambry Variant Classification Scheme 2023. Collection method: clinical testing. Allele origin: germline.

Illumina Laboratory Services, Illumina
Classification: Uncertain significance for Collagen VI-related myopathy. Last evaluated: 2018-01-13. Review status: criteria provided, single submitter. Criteria: ICSL Variant Classification Criteria 13 December 2019. Collection method: clinical testing. Allele origin: germline.

NM_001849.4(COL6A2):c.1732G>A (p.Glu578Lys)

Gene: COL6A2 (collagen type VI alpha 2 chain; plus strand). Cytogenetic location: 21q22.3.
Variant type: single nucleotide variant.
Coding change: c.1732G>A on transcript NM_001849.4 (MANE Select); coding-DNA position 1732, G replaced by A.
Protein change: p.Glu578Lys; replaces glutamic acid 578 with lysine.
Molecular consequence: missense variant.
Genome position (GRCh38, 1-based): chr21:46,124,711, G>A. VCF-style: chr21-46124711-G-A. GRCh37 (hg19) VCF-style: chr21-47544625-G-A.
Other names: c.1732G>A, p.Glu578Lys (NM_058174.3, NM_058175.3); short protein forms E578K.
Identifiers: ClinVar variation 895000 (VCV000895000.12), dbSNP rs771658013, ClinGen allele CA10072130.